The following is an entry in ClinVar:

NM_001378454.1(ALMS1):c.9673C>T (p.Arg3225Cys)

Gene: ALMS1 (ALMS1 centrosome and basal body associated protein; plus strand). Cytogenetic location: 2p13.1.
Variant type: single nucleotide variant.
Coding change: c.9673C>T on transcript NM_001378454.1 (MANE Select); coding-DNA position 9673, C replaced by T.
Protein change: p.Arg3225Cys; replaces arginine 3225 with cysteine.
Molecular consequence: missense variant.
Genome position (GRCh38, 1-based): chr2:73,519,908, C>T. VCF-style: chr2-73519908-C-T. GRCh37 (hg19) VCF-style: chr2-73747035-C-T.
Other names: c.9676C>T, p.Arg3226Cys (NM_015120.4); short protein forms R3226C, R3225C.
Identifiers: ClinVar variation 554424 (VCV000554424.8), dbSNP rs200215551, ClinGen allele CA1714732.

ClinVar aggregate classification (germline): Conflicting classifications of pathogenicity. Review status: criteria provided, conflicting classifications (1 of 4 stars). 4 submissions from 4 submitters: Uncertain significance (2); Likely benign (1). 1 of the submissions does not count toward it. Last evaluated 2024-06-24.

Conditions:
Cardiovascular phenotype. Identifiers: MedGen CN230736.
Alstrom syndrome (ALMS). Identifiers: Orphanet 64, MedGen C0268425, MONDO:0008763, OMIM 203800.

Allele frequency attached by ClinVar (database versions not stated): gnomAD exomes below 0.00001; ExAC 0.00001; TOPMed 0.00003; ESP Exome Variant Server 0.00008.
gnomAD v4.1: 7 of 1,614,080 alleles (0.00043%); highest among the groups gnomAD compares: African/African-American, 0.0067%; no homozygotes.

Submissions (4):

GeneDx
Classification: Uncertain significance. Last evaluated: 2024-06-24. Review status: criteria provided, single submitter. Criteria: GeneDx Variant Classification Process June 2021. Collection method: clinical testing. Allele origin: germline. Affected: yes.
Comment: Not observed at significant frequency in large population cohorts (gnomAD); In silico analysis indicates that this missense variant does not alter protein structure/function; Has not been previously published as pathogenic or benign to our knowledge

Ambry Genetics
Classification: Likely benign for Cardiovascular phenotype. Last evaluated: 2024-06-06. Review status: criteria provided, single submitter. Criteria: Ambry Variant Classification Scheme 2023. Collection method: clinical testing. Allele origin: germline.

Labcorp Genetics (formerly Invitae), Labcorp
Classification: Uncertain significance for Alstrom syndrome. Last evaluated: 2021-12-13. Review status: criteria provided, single submitter. Criteria: Invitae Variant Classification Sherloc (09022015). Collection method: clinical testing. Allele origin: germline.
Comment: This sequence change replaces arginine, which is basic and polar, with cysteine, which is neutral and slightly polar, at codon 3226 of the ALMS1 protein (p.Arg3226Cys). This variant is present in population databases (rs200215551, gnomAD 0.007%). This variant has not been reported in the literature in individuals affected with ALMS1-related conditions. ClinVar contains an entry for this variant (Variation ID: 554424). Experimental studies and prediction algorithms are not available or were not evaluated, and the functional significance of this variant is currently unknown. In summary, the available evidence is currently insufficient to determine the role of this variant in disease. Therefore, it has been classified as a Variant of Uncertain Significance.

Counsyl
Classification: Uncertain significance for Alstrom syndrome. Last evaluated: 2017-10-18. Review status: no assertion criteria provided. Collection method: clinical testing. Allele origin: unknown. Not counted in ClinVar's aggregate classification.